The following is an entry in ClinVar:

ClinVar aggregate classification (germline): Conflicting classifications of pathogenicity. Review status: criteria provided, conflicting classifications (1 of 4 stars). 7 submissions from 7 submitters: Uncertain significance (1); Benign (2); Likely benign (3). 1 of the submissions does not count toward it. Last evaluated 2026-01-24.

Conditions:
SLC6A8-related disorder. Also called: SLC6A8-related condition.
Inborn genetic diseases. Identifiers: MedGen C0950123, MeSH D030342.
Creatine transporter deficiency (CCDS1). Also called: SLC6A8-Related Creatine Transporter Deficiency; CREATINE TRANSPORTER DEFECT; CEREBRAL CREATINE DEFICIENCY SYNDROME 1; Mental retardation , X-linked with seizures, short stature and midface hypoplasia; Mental retardation , X-linked, with creatine transport deficiency; X-linked creatine transporter deficiency. Identifiers: Orphanet 52503, MedGen C1845862, MONDO:0010305, OMIM 300352.

Allele frequency attached by ClinVar (database versions not stated): gnomAD exomes 0.00001 and 0.00003; TOPMed 0.00006; ExAC 0.00012; gnomAD 0.00020 and 0.00024.
gnomAD v4.1: 61 of 1,202,153 alleles (0.0051%); highest among the groups gnomAD compares: Admixed American, 0.044%; 3 homozygotes.

Submissions (7):

Labcorp Genetics (formerly Invitae), Labcorp
Classification: Benign for Creatine transporter deficiency. Last evaluated: 2026-01-24. Review status: criteria provided, single submitter. Criteria: Invitae Variant Classification Sherloc (09022015). Collection method: clinical testing. Allele origin: germline.

Mayo Clinic Laboratories, Mayo Clinic
Classification: Benign. Last evaluated: 2025-06-03. Review status: criteria provided, single submitter. Criteria: ACMG Guidelines, 2015. Collection method: clinical testing. Allele origin: germline. Observed: 1 variant allele.
Comment: BS1, BS2, BP4_moderate

Blueprint Genetics
Classification: Likely benign. Last evaluated: 2024-11-28. Review status: criteria provided, single submitter. Criteria: ACMG Guidelines, 2015. Collection method: clinical testing. Allele origin: germline.

Ambry Genetics
Classification: Likely benign for Inborn genetic diseases. Last evaluated: 2023-09-26. Review status: criteria provided, single submitter. Criteria: Ambry Variant Classification Scheme 2023. Collection method: clinical testing. Allele origin: germline.

Revvity Omics, Revvity
Classification: Uncertain significance for Creatine transporter deficiency. Last evaluated: 2020-11-19. Review status: criteria provided, single submitter. Criteria: ACMG Guidelines, 2015. Collection method: clinical testing. Allele origin: germline.

GeneDx
Classification: Likely benign. Last evaluated: 2020-07-16. Review status: criteria provided, single submitter. Criteria: GeneDx Variant Classification Process June 2021. Collection method: clinical testing. Allele origin: germline. Affected: yes.
Comment: In silico analysis supports that this missense variant does not alter protein structure/function; Has not been previously published as pathogenic or benign to our knowledge

PreventionGenetics, part of Exact Sciences
Classification: Benign for SLC6A8-related condition. Last evaluated: 2024-09-04. Review status: no assertion criteria provided. Collection method: clinical testing. Allele origin: germline. Not counted in ClinVar's aggregate classification.
Comment: This variant is classified as benign based on ACMG/AMP sequence variant interpretation guidelines (Richards et al. 2015 PMID: 25741868, with internal and published modifications).

NM_005629.4(SLC6A8):c.1778A>G (p.His593Arg)

Gene: SLC6A8 (solute carrier family 6 member 8; plus strand). Cytogenetic location: Xq28.
Variant type: single nucleotide variant.
Coding change: c.1778A>G on transcript NM_005629.4 (MANE Select); coding-DNA position 1778, A replaced by G.
Protein change: p.His593Arg; replaces histidine 593 with arginine.
Molecular consequence: missense variant.
Genome position (GRCh38, 1-based): chrX:153,695,084, A>G. VCF-style: chrX-153695084-A-G. GRCh37 (hg19) VCF-style: chrX-152960539-A-G.
Other names: p.His593Arg; c.1748A>G, p.His583Arg (NM_001142805.2); c.1433A>G, p.His478Arg (NM_001142806.1); short protein forms H593R, H478R, H583R.
Identifiers: ClinVar variation 465144 (VCV000465144.24), dbSNP rs782560726, ClinGen allele CA10549662.